The following is an entry in ClinVar:

NM_001013703.4(EIF2AK4):c.3705G>A (p.Leu1235=)

Gene: EIF2AK4 (eukaryotic translation initiation factor 2 alpha kinase 4; plus strand). Cytogenetic location: 15q15.1.
Variant type: single nucleotide variant.
Coding change: c.3705G>A on transcript NM_001013703.4 (MANE Select); coding-DNA position 3705, G replaced by A.
Protein change: p.Leu1235=; no amino-acid change (leucine 1235 retained).
Molecular consequence: synonymous variant.
Genome position (GRCh38, 1-based): chr15:40,011,292, G>A. VCF-style: chr15-40011292-G-A. GRCh37 (hg19) VCF-style: chr15-40303493-G-A.
Identifiers: ClinVar variation 618619 (VCV000618619.8), dbSNP rs367722329, ClinGen allele CA7474426.
Genomic context (GRCh38, chr15:40,011,292, plus strand): 5'-CAGTGCCAGATTTCGCGACTCTCATTGTTACCTTTTTCTTCCACGTTAGACAGAGAAGCT[G>A]ACGAGGAGAGAAGTGGAAGCTAAATTTTGTAATCTGTCTTTGTCTTCTAATAGTGTAAGT-3'
Protein context (NP_001013725.2, residues 1225-1245): IILYDAVTEK[Leu1235=]TRREVEAKFC

ClinVar aggregate classification (germline): Likely benign (1 of 4 stars; one submission).

Allele frequency attached by ClinVar (database versions not stated): ExAC 0.00001; gnomAD exomes 0.00001 and 0.00002; TOPMed 0.00002; gnomAD 0.00003; ESP Exome Variant Server 0.00008.

Submission:

ARUP Laboratories, Molecular Genetics and Genomics, ARUP Laboratories
Classification: Likely benign. Last evaluated: 2018-05-04. Review status: criteria provided, single submitter. Criteria: ARUP Molecular Germline Variant Investigation Process. Collection method: clinical testing. Allele origin: germline.
Comment: The EIF2AK4 c.3705G>A; p.Leu1235Leu variant (rs367722329), to our knowledge, has not been described in the medical literature or in gene-specific databases, but is observed in the general population at a low overall frequency of 0.001% (3/276784 alleles) in the Genome Aggregation Database. This is a synonymous variant at a moderately conserved nucleotide, but computational algorithms (Alamut v.2.11) do not predict an impact on splicing. Based on available information, this variant is considered likely benign.